The following is an entry in ClinVar:

NM_000059.4(BRCA2):c.8805G>A (p.Met2935Ile)

Gene: BRCA2 (BRCA2 DNA repair associated; plus strand). Cytogenetic location: 13q13.1.
Variant type: single nucleotide variant.
Coding change: c.8805G>A on transcript NM_000059.4 (MANE Select); coding-DNA position 8805, G replaced by A.
Protein change: p.Met2935Ile; replaces methionine 2935 with isoleucine.
Molecular consequence: missense variant.
Genome position (GRCh38, 1-based): chr13:32,379,367, G>A. VCF-style: chr13-32379367-G-A. GRCh37 (hg19) VCF-style: chr13-32953504-G-A.
Other names: p.M2935I:ATG>ATA; short protein forms M2935I.
Identifiers: ClinVar variation 182255 (VCV000182255.12), dbSNP rs730881568, ClinGen allele CA025829.
Genomic context (GRCh38, chr13:32,379,367, plus strand): 5'-ATGGTCACAGGGTTATTTCAGTGAAGAGCAGTTAAGAGCCTTGAATAATCACAGGCAAAT[G>A]TTGAATGATAAGAAACAAGCTCAGATCCAGTTGGAAATTAGGAAGGCCATGGAATCTGCT-3'
Protein context (NP_000050.3, residues 2925-2945): QLRALNNHRQ[Met2935Ile]LNDKKQAQIQ

ClinVar aggregate classification (germline): Uncertain significance. Review status: criteria provided, multiple submitters, no conflicts (2 of 4 stars). 2 submissions from 2 submitters: Uncertain significance (2). Last evaluated 2019-11-01.

Conditions:
Hereditary breast ovarian cancer syndrome. Also called: Breast and ovarian cancer; Hereditary breast and ovarian cancer; Hereditary breast and/or ovarian cancer syndrome; BRCA1- and BRCA2-Associated Hereditary Breast and Ovarian Cancer; Hereditary breast and ovarian cancer syndrome (HBOC); Hereditary breast and ovarian cancer syndrome. Identifiers: Orphanet 145, MedGen C0677776, MeSH D061325, MONDO:0003582. Disease mechanism: loss of function.

Allele frequency attached by ClinVar (database versions not stated): gnomAD exomes below 0.00001.
gnomAD v4.1: 2 of 1,613,848 alleles (0.00012%); highest among the groups gnomAD compares: Non-Finnish European, 0.00017%; no homozygotes.

Submissions (2):

Labcorp Genetics (formerly Invitae), Labcorp
Classification: Uncertain significance for Hereditary breast ovarian cancer syndrome. Last evaluated: 2019-11-01. Review status: criteria provided, single submitter. Criteria: Invitae Variant Classification Sherloc (09022015). Collection method: clinical testing. Allele origin: germline.
Comment: This variant is not present in population databases (ExAC no frequency). This sequence change replaces methionine with isoleucine at codon 2935 of the BRCA2 protein (p.Met2935Ile). The methionine residue is weakly conserved and there is a small physicochemical difference between methionine and isoleucine. This variant has not been reported in the literature in individuals with BRCA2-related conditions. ClinVar contains an entry for this variant (Variation ID: 182255). In summary, the available evidence is currently insufficient to determine the role of this variant in disease. Therefore, it has been classified as a Variant of Uncertain Significance. Algorithms developed to predict the effect of missense changes on protein structure and function output the following: SIFT: "Tolerated"; PolyPhen-2: "Benign"; Align-GVGD: "Class C0". The isoleucine amino acid residue is found in multiple mammalian species, suggesting that this missense change does not adversely affect protein function. These predictions have not been confirmed by published functional studies and their clinical significance is uncertain.

GeneDx
Classification: Uncertain significance. Last evaluated: 2014-01-10. Review status: criteria provided, single submitter. Criteria: GeneDx Variant Classification (06012015). Collection method: clinical testing. Allele origin: germline. Affected: yes.
Comment: This variant is denoted BRCA2 c.8805G>A at the cDNA level, p.Met2935Ile (M2935I) at the protein level, and results in the change of a Methionine to an Isoleucine (ATG>ATA). This variant has not, to our knowledge, been published in the literature as pathogenic or benign. BRCA2 Met2935Ile was not observed in approximately 6,500 individuals of European and African American ancestry in the NHLBI Exome Sequencing Project, indicating it is not a common benign variant in these populations. This variant is a conservative substitution of one neutral non-polar amino acid for another, altering a position that is highly variable throughout evolution and is located in the DNA-binding domain (Borg 2010). In silico analyses predict this variant to have a benign effect on protein structure and function. The currently available evidence about this variant does not allow us to predict whether BRCA2 Met2935Ile is a pathogenic variant or benign variant, and it is therefore classified as having unknown significance.